The following is an entry in ClinVar:

NM_022455.5(NSD1):c.3688_3689delinsTA (p.Ala1230Tyr)

Gene: NSD1 (nuclear receptor binding SET domain protein 1; plus strand). Cytogenetic location: 5q35.3.
Variant type: Indel.
Coding change: c.3688_3689delinsTA on transcript NM_022455.5 (MANE Select); coding-DNA positions 3688 to 3689, GC replaced by TA.
Protein change: p.Ala1230Tyr; replaces alanine 1230 with tyrosine.
Molecular consequence: missense variant.
Genome position (GRCh38, 1-based): chr5:177,212,087-177,212,088, GC replaced by TA. VCF-style: chr5-177212087-GC-TA. GRCh37 (hg19) VCF-style: chr5-176639088-GC-TA.
Other names: c.2815_2816delinsTA, p.Ala939Tyr (NM_001365684.2, NM_001409306.1, NM_001409307.1 and 3 more transcripts); c.3688_3689delinsTA, p.Ala1230Tyr (NM_001409301.1, NM_001409302.1, NM_001409303.1); c.3268_3269delinsTA, p.Ala1090Tyr (NM_001409304.1); c.2935_2936delinsTA, p.Ala979Tyr (NM_001409305.1); short protein forms A1090Y, A979Y, A939Y, A1230Y.
Identifiers: ClinVar variation 4714683 (VCV004714683.1).

ClinVar aggregate classification (germline): Uncertain significance (1 of 4 stars; one submission).

Submission:

Labcorp Genetics (formerly Invitae), Labcorp
Classification: Uncertain significance. Last evaluated: 2025-03-09. Review status: criteria provided, single submitter. Criteria: Invitae Variant Classification Sherloc (09022015). Collection method: clinical testing. Allele origin: germline.
Comment: This sequence change replaces alanine, which is neutral and non-polar, with tyrosine, which is neutral and polar, at codon 1230 of the NSD1 protein (p.Ala1230Tyr). Information on the frequency of this variant in the gnomAD database is not available, as this variant may be reported differently in the database. This variant has not been reported in the literature in individuals affected with NSD1-related conditions. An algorithm developed to predict the effect of missense changes on protein structure and function (PolyPhen-2) suggests that this variant is likely to be tolerated. In summary, the available evidence is currently insufficient to determine the role of this variant in disease. Therefore, it has been classified as a Variant of Uncertain Significance.